The following is an entry in ClinVar:

NM_001378457.1(DMXL2):c.1271A>G (p.Asp424Gly)

Gene: DMXL2 (Dmx like 2; minus strand). Cytogenetic location: 15q21.2.
Variant type: single nucleotide variant.
Coding change: c.1271A>G on transcript NM_001378457.1 (MANE Select); coding-DNA position 1271, A replaced by G.
Protein change: p.Asp424Gly; replaces aspartic acid 424 with glycine.
Molecular consequence: missense variant. On other transcripts: non-coding transcript variant (2), intron variant (1).
Genome position (GRCh38, 1-based): chr15:51,538,287, T>C on the plus strand (A>G on the coding strand, the complement: DMXL2 is on the minus strand). VCF-style: chr15-51538287-T-C. GRCh37 (hg19) VCF-style: chr15-51830484-T-C.
Other names: c.1271A>G (NM_001174116.1); c.1271A>G, p.Asp424Gly (NM_001174116.3, NM_001174117.3, NM_001378458.1 and 6 more transcripts); c.1106-528A>G (NM_001378464.1); short protein forms D424G.
Identifiers: ClinVar variation 1920596 (VCV001920596.5), dbSNP rs767082910, ClinGen allele CA7562631.

ClinVar aggregate classification (germline): Uncertain significance. Review status: criteria provided, multiple submitters, no conflicts (2 of 4 stars). 2 submissions from 2 submitters: Uncertain significance (2). Last evaluated 2024-11-04.

Conditions:
Inborn genetic diseases. Identifiers: MedGen C0950123, MeSH D030342.

Allele frequency attached by ClinVar (database versions not stated): gnomAD exomes 0.00001; ExAC 0.00002.
gnomAD v4.1: 18 of 1,613,812 alleles (0.0011%); highest among the groups gnomAD compares: South Asian, 0.016%; no homozygotes.

Submissions (2):

Labcorp Genetics (formerly Invitae), Labcorp
Classification: Uncertain significance. Last evaluated: 2024-11-04. Review status: criteria provided, single submitter. Criteria: Invitae Variant Classification Sherloc (09022015). Collection method: clinical testing. Allele origin: germline.
Comment: This sequence change replaces aspartic acid, which is acidic and polar, with glycine, which is neutral and non-polar, at codon 424 of the DMXL2 protein (p.Asp424Gly). This variant is present in population databases (rs767082910, gnomAD 0.02%). This variant has not been reported in the literature in individuals affected with DMXL2-related conditions. ClinVar contains an entry for this variant (Variation ID: 1920596). An algorithm developed to predict the effect of missense changes on protein structure and function (PolyPhen-2) suggests that this variant is likely to be tolerated. In summary, the available evidence is currently insufficient to determine the role of this variant in disease. Therefore, it has been classified as a Variant of Uncertain Significance.

Ambry Genetics
Classification: Uncertain significance for Inborn genetic diseases. Last evaluated: 2024-04-23. Review status: criteria provided, single submitter. Criteria: Ambry Variant Classification Scheme 2023. Collection method: clinical testing. Allele origin: germline.